The following is an entry in ClinVar:

ClinVar aggregate classification (germline): Uncertain significance (1 of 4 stars; one submission).

Conditions:
Mitochondrial complex II deficiency, nuclear type 1. Also called: SUCCINATE CoQ REDUCTASE DEFICIENCY. Identifiers: Orphanet 3208, MedGen C5700310, MONDO:0100294, OMIM 252011.
Pheochromocytoma/paraganglioma syndrome 5. Also called: Paragangliomas 5; SDHA-Related Hereditary Paraganglioma-Pheochromocytoma Syndrome. Identifiers: Orphanet 29072, MedGen C3279992, MONDO:0013602, OMIM 614165.

Submission:

Labcorp Genetics (formerly Invitae), Labcorp
Classification: Uncertain significance for Pheochromocytoma/paraganglioma syndrome 5; Mitochondrial complex II deficiency, nuclear type 1. Last evaluated: 2022-01-17. Review status: criteria provided, single submitter. Criteria: Invitae Variant Classification Sherloc (09022015). Collection method: clinical testing. Allele origin: germline.
Comment: Algorithms developed to predict the effect of missense changes on protein structure and function (SIFT, PolyPhen-2, Align-GVGD) all suggest that this variant is likely to be disruptive. In summary, the available evidence is currently insufficient to determine the role of this variant in disease. Therefore, it has been classified as a Variant of Uncertain Significance. This sequence change replaces glutamic acid, which is acidic and polar, with glycine, which is neutral and non-polar, at codon 291 of the SDHA protein (p.Glu291Gly). This variant has not been reported in the literature in individuals affected with SDHA-related conditions. This variant is not present in population databases (gnomAD no frequency).

NM_004168.4(SDHA):c.872A>G (p.Glu291Gly)

Gene: SDHA (succinate dehydrogenase complex flavoprotein subunit A; plus strand). Cytogenetic location: 5p15.33.
Variant type: single nucleotide variant.
Coding change: c.872A>G on transcript NM_004168.4 (MANE Select); coding-DNA position 872, A replaced by G.
Protein change: p.Glu291Gly; replaces glutamic acid 291 with glycine.
Molecular consequence: missense variant.
Genome position (GRCh38, 1-based): chr5:230,977, A>G. VCF-style: chr5-230977-A-G. GRCh37 (hg19) VCF-style: chr5-231092-A-G.
Other names: c.728A>G, p.Glu243Gly (NM_001294332.2); c.872A>G, p.Glu291Gly (NM_001330758.2); short protein forms E291G, E243G.
Identifiers: ClinVar variation 1936731 (VCV001936731.5), dbSNP rs1336029027, ClinGen allele CA359011976.